The following is an entry in ClinVar:

ClinVar aggregate classification (germline): Pathogenic. Review status: criteria provided, multiple submitters, no conflicts (2 of 4 stars). 3 submissions from 3 submitters: Pathogenic (3). Last evaluated 2026-03-04.

Conditions:
Spastic paraplegia. Identifiers: MedGen C0037772, HP:0001258.
Hereditary spastic paraplegia 15 (SPG15). Also called: SPASTIC PARAPLEGIA AND RETINAL DEGENERATION; SPASTIC PARAPLEGIA 15, AUTOSOMAL RECESSIVE; KJELLIN SYNDROME. Identifiers: Orphanet 100996, MedGen C1849128, MONDO:0010044, OMIM 270700.

Allele frequency attached by ClinVar (database versions not stated): gnomAD 0.00001; TOPMed 0.00001; gnomAD exomes below 0.00001.
gnomAD v4.1: 2 of 1,613,844 alleles (0.00012%); highest among the groups gnomAD compares: Non-Finnish European, 0.00017%; no homozygotes.

Submissions (3):

GeneDx
Classification: Pathogenic. Last evaluated: 2026-03-04. Review status: criteria provided, single submitter. Criteria: GeneDx Variant Classification Process June 2021. Collection method: clinical testing. Allele origin: germline.
Comment: Not observed at significant frequency in large population cohorts (gnomAD); Nonsense variant predicted to result in protein truncation or nonsense mediated decay in a gene for which loss of function is a known mechanism of disease; This variant is associated with the following publications: (PMID: 18394578, 19805727, 36315648)

Labcorp Genetics (formerly Invitae), Labcorp
Classification: Pathogenic for Spastic paraplegia. Last evaluated: 2024-01-25. Review status: criteria provided, single submitter. Criteria: Invitae Variant Classification Sherloc (09022015). Collection method: clinical testing. Allele origin: germline.
Comment: This sequence change creates a premature translational stop signal (p.Tyr2047*) in the ZFYVE26 gene. It is expected to result in an absent or disrupted protein product. Loss-of-function variants in ZFYVE26 are known to be pathogenic (PMID: 18394578, 19805727). This variant is present in population databases (no rsID available, gnomAD 0.0009%). This variant has not been reported in the literature in individuals affected with ZFYVE26-related conditions. ClinVar contains an entry for this variant (Variation ID: 959207). For these reasons, this variant has been classified as Pathogenic.

Fulgent Genetics
Classification: Pathogenic for Hereditary spastic paraplegia 15. Last evaluated: 2024-01-02. Review status: criteria provided, single submitter. Criteria: ACMG Guidelines, 2015. Collection method: clinical testing. Allele origin: germline.

Literature cited by the submitters: PubMed 18394578 (cited by Labcorp Genetics (formerly Invitae), Labcorp); PubMed 19805727 (cited by Labcorp Genetics (formerly Invitae), Labcorp).

NM_015346.4(ZFYVE26):c.6141C>A (p.Tyr2047Ter)

Gene: ZFYVE26 (zinc finger FYVE-type containing 26; minus strand). Cytogenetic location: 14q24.1.
Variant type: single nucleotide variant.
Coding change: c.6141C>A on transcript NM_015346.4 (MANE Select); coding-DNA position 6141, C replaced by A.
Protein change: p.Tyr2047Ter; replaces tyrosine 2047 with a stop codon.
Molecular consequence: nonsense.
Genome position (GRCh38, 1-based): chr14:67,762,690, G>T on the plus strand (C>A on the coding strand, the complement: ZFYVE26 is on the minus strand). VCF-style: chr14-67762690-G-T. GRCh37 (hg19) VCF-style: chr14-68229407-G-T.
Other names: short protein forms Y2047*.
Identifiers: ClinVar variation 959207 (VCV000959207.10), dbSNP rs1006249036, ClinGen allele CA262824186.